The following is an entry in ClinVar:

ClinVar aggregate classification (germline): Uncertain significance. Review status: criteria provided, multiple submitters, no conflicts (2 of 4 stars). 2 submissions from 2 submitters: Uncertain significance (2). Last evaluated 2024-06-02.

Conditions:
Inborn genetic diseases. Identifiers: MedGen C0950123, MeSH D030342.
Glycogen storage disease IXb (GSD9B). Also called: PHOSPHORYLASE KINASE DEFICIENCY OF LIVER AND MUSCLE, AUTOSOMAL RECESSIVE; GLYCOGENOSIS OF LIVER AND MUSCLE, AUTOSOMAL RECESSIVE; GSD IXb. Identifiers: Orphanet 79240, MedGen C0543514, MONDO:0009868, OMIM 261750.

Allele frequency attached by ClinVar (database versions not stated): gnomAD exomes 0.00002 and 0.00005; ExAC 0.00004; ESP Exome Variant Server 0.00015; gnomAD 0.00026 and 0.00028; TOPMed 0.00029.
gnomAD v4.1: 75 of 1,612,092 alleles (0.0047%); highest among the groups gnomAD compares: African/African-American, 0.094%; no homozygotes.

Submissions (2):

Ambry Genetics
Classification: Uncertain significance for Inborn genetic diseases. Last evaluated: 2024-06-02. Review status: criteria provided, single submitter. Criteria: Ambry Variant Classification Scheme 2023. Collection method: clinical testing. Allele origin: germline.

Labcorp Genetics (formerly Invitae), Labcorp
Classification: Uncertain significance for Glycogen storage disease IXb. Last evaluated: 2021-12-02. Review status: criteria provided, single submitter. Criteria: Invitae Variant Classification Sherloc (09022015). Collection method: clinical testing. Allele origin: germline.
Comment: This sequence change replaces glycine, which is neutral and non-polar, with serine, which is neutral and polar, at codon 240 of the PHKB protein (p.Gly240Ser). This variant is present in population databases (rs147426858, gnomAD 0.07%). This variant has not been reported in the literature in individuals affected with PHKB-related conditions. Algorithms developed to predict the effect of missense changes on protein structure and function are either unavailable or do not agree on the potential impact of this missense change (SIFT: "Deleterious"; PolyPhen-2: "Benign"; Align-GVGD: "Class C0"). Algorithms developed to predict the effect of sequence changes on RNA splicing suggest that this variant may create or strengthen a splice site. In summary, the available evidence is currently insufficient to determine the role of this variant in disease. Therefore, it has been classified as a Variant of Uncertain Significance.

NM_000293.3(PHKB):c.718G>A (p.Gly240Ser)

Gene: PHKB (phosphorylase kinase regulatory subunit beta; plus strand). Cytogenetic location: 16q12.1.
Variant type: single nucleotide variant.
Coding change: c.718G>A on transcript NM_000293.3 (MANE Select); coding-DNA position 718, G replaced by A.
Protein change: p.Gly240Ser; replaces glycine 240 with serine.
Molecular consequence: missense variant.
Genome position (GRCh38, 1-based): chr16:47,580,302, G>A. VCF-style: chr16-47580302-G-A. GRCh37 (hg19) VCF-style: chr16-47614213-G-A.
Other names: c.697G>A, p.Gly233Ser (NM_001031835.3); c.718G>A, p.Gly240Ser (NM_001363837.1); c.718G>A (NM_000293.2); short protein forms G233S, G240S.
Identifiers: ClinVar variation 1481841 (VCV001481841.7), dbSNP rs147426858, ClinGen allele CA8040594.